The following is an entry in ClinVar:

NM_001267052.2(UNC45B):c.2037C>T (p.Pro679=)

Gene: UNC45B (unc-45 myosin chaperone B; plus strand). Cytogenetic location: 17q12.
Variant type: single nucleotide variant.
Coding change: c.2037C>T on transcript NM_001267052.2 (MANE Select); coding-DNA position 2037, C replaced by T.
Protein change: p.Pro679=; no amino-acid change (proline 679 retained).
Molecular consequence: synonymous variant.
Genome position (GRCh38, 1-based): chr17:35,177,028, C>T. VCF-style: chr17-35177028-C-T. GRCh37 (hg19) VCF-style: chr17-33504047-C-T.
Other names: c.2037C>T, p.Pro679= (NM_001033576.2); c.1800C>T, p.Pro600= (NM_001308281.1); c.2043C>T, p.Pro681= (NM_173167.3).
Identifiers: ClinVar variation 4977867 (VCV004977867.1).

ClinVar aggregate classification (germline): Likely benign (1 of 4 stars; one submission).

Conditions:
UNC45B-related disorder. Also called: UNC45B-related condition.

gnomAD v4.1: 110 of 1,613,856 alleles (0.0068%); highest among the groups gnomAD compares: Non-Finnish European, 0.0088%; no homozygotes.

Submission:

PreventionGenetics, part of Exact Sciences
Classification: Likely benign for UNC45B-related condition. Last evaluated: 2026-07-13. Review status: criteria provided, single submitter. Criteria: ACMG Guidelines, 2015. Collection method: clinical testing. Allele origin: germline.
Comment: This variant is classified as likely benign based on ACMG/AMP sequence variant interpretation guidelines (Richards et al. 2015 PMID: 25741868, with internal and published modifications).